The following is an entry in ClinVar:

ClinVar aggregate classification (germline): Likely pathogenic (1 of 4 stars; one submission).

Conditions:
MC4R-related disorder. Also called: MC4R-related condition.

Submission:

PreventionGenetics, part of Exact Sciences
Classification: Likely pathogenic for MC4R-related condition. Last evaluated: 2025-04-28. Review status: criteria provided, single submitter. Criteria: ACMG Guidelines, 2015. Collection method: clinical testing. Allele origin: germline.
Comment: The MC4R c.802T>C variant is predicted to result in the amino acid substitution p.Tyr268His. This variant has been reported in the heterozygous state in four individuals with obesity from two unrelated families (Mohammed et al. 2023. PubMed ID: 38003551). One of these individuals was compound heterozygous for MC4R c.802T>C and c.253A>G and had a more severe form of obesity, while one unaffected sibling had neither variant (Mohammed et al. 2023. PubMed ID: 38003551). MC4R c.802T>C and c.253A>G have also been reported in the homozygous state in an individual with obesity (Schirmer et al. 2023. doi: 10.1055/a-2079-9133). In individuals undergoing genetic testing for obesity at PreventionGenetics, the c.253A>G and c.802T>C variants have both been detected in the heterozygous state (phase unknown) in two individuals and both in the homozygous state in one individual, while c.802T>C has been detected in the absence of c.253A>G in one additional individual (Internal Data). Functional studies show this variant results in impaired localization and loss of signal transduction (Mohammed et al. 2023. PubMed ID: 38003551). This variant has not been reported in a large population database (gnomAD), indicating it is rare. Another missense variant affecting the same amino acid (p.Tyr268Cys) has been reported in an individual with childhood obesity (Table S1, Šket et al. 2022. PubMed ID: 35574020). This variant is interpreted as likely pathogenic.

NM_005912.3(MC4R):c.802T>C (p.Tyr268His)

Gene: MC4R (melanocortin 4 receptor; minus strand). Cytogenetic location: 18q21.32.
Variant type: single nucleotide variant.
Coding change: c.802T>C on transcript NM_005912.3 (MANE Select); coding-DNA position 802, T replaced by C.
Protein change: p.Tyr268His; replaces tyrosine 268 with histidine.
Molecular consequence: missense variant.
Genome position (GRCh38, 1-based): chr18:60,371,548, A>G on the plus strand (T>C on the coding strand, the complement: MC4R is on the minus strand). VCF-style: chr18-60371548-A-G. GRCh37 (hg19) VCF-style: chr18-58038781-A-G.
Other names: short protein forms Y268H.
Identifiers: ClinVar variation 4985405 (VCV004985405.1).